The following is an entry in ClinVar:

NM_000156.6(GAMT):c.181+16C>A

Genes: GAMT (guanidinoacetate N-methyltransferase; minus strand), LOC130062945 (ATAC-STARR-seq lymphoblastoid silent region 9707; plus strand). Cytogenetic location: 19p13.3.
Variant type: single nucleotide variant.
Coding change: c.181+16C>A on transcript NM_000156.6 (MANE Select); 16 bases into the intron after coding-DNA position 181, C replaced by A.
Molecular consequence: intron variant.
Genome position (GRCh38, 1-based): chr19:1,401,280, G>T on the plus strand (C>A on the coding strand, the complement: GAMT is on the minus strand). VCF-style: chr19-1401280-G-T. GRCh37 (hg19) VCF-style: chr19-1401279-G-T.
Other names: c.181+16C>A (NM_138924.3).
Identifiers: ClinVar variation 385227 (VCV000385227.9), dbSNP rs776931007, ClinGen allele CA9043788.
Genomic context (GRCh38, chr19:1,401,280, plus strand): 5'-AGTCCCCGGGTCGGGGCAGCCCCGGCCTCAGTTTCCCCTGCGCCCCCGGGGGCGGTGCAG[G>T]CCGGGCGGGGGCTACCTTTGGAGGAGGCGGCGGCGGCCAGCGCGTGCATATAGGGGGTCT-3'

ClinVar aggregate classification (germline): Likely benign. Review status: criteria provided, multiple submitters, no conflicts (2 of 4 stars). 2 submissions from 2 submitters: Likely benign (2). Last evaluated 2025-12-30.

Conditions:
Cerebral creatine deficiency syndrome. Also called: Creatine deficiency syndromes. Identifiers: Orphanet 79172, MedGen C5244016, MONDO:0000456.

Allele frequency attached by ClinVar (database versions not stated): gnomAD 0.00002; TOPMed 0.00003; ExAC 0.00005.
gnomAD v4.1: 12 of 1,468,832 alleles (0.00082%); highest among the groups gnomAD compares: African/African-American, 0.0014%; no homozygotes.

Submissions (2):

Labcorp Genetics (formerly Invitae), Labcorp
Classification: Likely benign for Cerebral creatine deficiency syndrome. Last evaluated: 2025-12-30. Review status: criteria provided, single submitter. Criteria: Invitae Variant Classification Sherloc (09022015). Collection method: clinical testing. Allele origin: germline.

GeneDx
Classification: Likely benign. Last evaluated: 2016-04-11. Review status: criteria provided, single submitter. Criteria: GeneDx Variant Classification (06012015). Collection method: clinical testing. Allele origin: germline. Affected: yes.
Comment: This variant is considered likely benign or benign based on one or more of the following criteria: it is a conservative change, it occurs at a poorly conserved position in the protein, it is predicted to be benign by multiple in silico algorithms, and/or has population frequency not consistent with disease.